The following is an entry in ClinVar:

ClinVar aggregate classification (germline): Benign (0 of 4 stars; one submission).

Conditions:
MUC16-related disorder. Also called: MUC16-related condition.

Allele frequency attached by ClinVar (database versions not stated): ESP Exome Variant Server 0.15012; gnomAD 0.16657; TOPMed 0.16962; 1000 Genomes Project 30x 0.18379; 1000 Genomes Project 0.18610; ExAC 0.19040.

Submissions (3):

PreventionGenetics, part of Exact Sciences
Classification: Benign for MUC16-related condition. Last evaluated: 2019-10-18. Review status: no assertion criteria provided. Collection method: clinical testing. Allele origin: germline.
Comment: This variant is classified as benign based on ACMG/AMP sequence variant interpretation guidelines (Richards et al. 2015 PMID: 25741868, with internal and published modifications).

Dr. Peter K. Rogan Lab, Western University
No classification provided (evidence only). Condition: Malignant lymphoma, large B-cell, diffuse. Review status: no classification provided. Collection method: in vitro. Allele origin: not applicable. Functional consequence: retained intron. Not counted in ClinVar's aggregate classification.

Dr. Peter K. Rogan Lab, Western University
No classification provided (evidence only). Condition: Malignant lymphoma, large B-cell, diffuse. Review status: no classification provided. Collection method: in vitro. Allele origin: not applicable. Functional consequence: retained intron. Not counted in ClinVar's aggregate classification.

NM_001401501.2(MUC16):c.30577G>C (p.Glu10193Gln)

Gene: MUC16 (mucin 16, cell surface associated; minus strand). Cytogenetic location: 19p13.2.
Variant type: single nucleotide variant.
Coding change: c.30577G>C on transcript NM_001401501.2 (MANE Select); coding-DNA position 30577, G replaced by C.
Protein change: p.Glu10193Gln; replaces glutamic acid 10193 with glutamine.
Molecular consequence: missense variant.
Genome position (GRCh38, 1-based): chr19:8,946,313, C>G on the plus strand (G>C on the coding strand, the complement: MUC16 is on the minus strand). VCF-style: chr19-8946313-C-G. GRCh37 (hg19) VCF-style: chr19-9056989-C-G.
Other names: NC_000019.9:g.9056989C>G; c.31003G>C, p.Glu10335Gln (NM_001414686.1); c.30457G>C, p.Glu10153Gln (NM_001414687.1, NM_024690.2); short protein forms E10153Q, E10193Q, E10335Q.
Identifiers: ClinVar variation 3059227 (VCV003059227.3), dbSNP rs4804381, ClinGen allele CA9167099.